The following is an entry in ClinVar:

NM_000179.3(MSH6):c.3061_3062delinsCT (p.Ala1021Leu)

Gene: MSH6 (mutS homolog 6; plus strand). Cytogenetic location: 2p16.3.
Variant type: Indel.
Coding change: c.3061_3062delinsCT on transcript NM_000179.3 (MANE Select); coding-DNA positions 3061 to 3062, GC replaced by CT.
Protein change: p.Ala1021Leu; replaces alanine 1021 with leucine.
Molecular consequence: missense variant. On other transcripts: non-coding transcript variant (5), intron variant (2).
Genome position (GRCh38, 1-based): chr2:47,801,044-47,801,045, GC replaced by CT. VCF-style: chr2-47801044-GC-CT. GRCh37 (hg19) VCF-style: chr2-48028183-GC-CT.
Other names: c.2671_2672delinsCT, p.Ala891Leu (NM_001281492.2); c.2155_2156delinsCT, p.Ala719Leu (NM_001281493.2, NM_001281494.2, NM_001406811.1 and 6 more transcripts); c.3157_3158delinsCT, p.Ala1053Leu (NM_001406795.1, NM_001406802.1); c.3061_3062delinsCT, p.Ala1021Leu (NM_001406796.1, NM_001406798.1, NM_001406800.1 and 2 more transcripts); c.2764_2765delinsCT, p.Ala922Leu (NM_001406797.1, NM_001406801.1, NM_001406805.1 and 10 more transcripts); c.2536_2537delinsCT, p.Ala846Leu (NM_001406799.1, NM_001406806.1, NM_001406807.1); c.2983_2984delinsCT, p.Ala995Leu (NM_001406804.1); c.3067_3068delinsCT, p.Ala1023Leu (NM_001406813.1); and 4 more; short protein forms A1021L, A922L, A1023L, A965L, A995L, A336L, A891L, A1053L.
Identifiers: ClinVar variation 2587324 (VCV002587324.2), dbSNP rs2530710920, ClinGen allele CA2582342377.
Genomic context (GRCh38, chr2:47,801,044, plus strand): 5'-AAGGGCTGTAAACGATACTGGACCAAAACTATTGAAAAGAAGTTGGCTAATCTCATAAAT[GC>CT]TGAAGAACGGAGGGATGTATCATTGAAGGACTGCATGCGGCGACTGTTCTATAACTTTGA-3'
Protein context (NP_000170.1, residues 1011-1031): IEKKLANLIN[Ala1021Leu]EERRDVSLKD

ClinVar aggregate classification (germline): Uncertain significance (1 of 4 stars; one submission).

Conditions:
Hereditary cancer-predisposing syndrome. Also called: Tumor predisposition; Hereditary Cancer Syndrome; Hereditary neoplastic syndrome; Neoplastic Syndromes, Hereditary. Identifiers: Orphanet 140162, MedGen C0027672, MeSH D009386, MONDO:0015356.

Submission:

Ambry Genetics
Classification: Uncertain significance for Hereditary cancer-predisposing syndrome. Last evaluated: 2023-07-10. Review status: criteria provided, single submitter. Criteria: Ambry Variant Classification Scheme 2023. Collection method: clinical testing. Allele origin: germline.
Comment: The c.3061_3062delGCinsCT variant (also known as p.A1021L), located in coding exon 4 of the MSH6 gene, results from an in-frame deletion of GC and insertion of CT at nucleotide positions 3061 to 3062. This results in the substitution of the alanine residue for a leucine residue at codon 1021, an amino acid with similar properties. This amino acid position is well conserved in available vertebrate species. In addition, the in silico prediction for this alteration is inconclusive (Choi Y et al. PLoS ONE. 2012; 7(10):e46688). Since supporting evidence is limited at this time, the clinical significance of this alteration remains unclear.